The following is an entry in ClinVar:

NM_002432.3(MNDA):c.383G>T (p.Gly128Val)

Gene: MNDA (myeloid cell nuclear differentiation antigen; plus strand). Cytogenetic location: 1q23.1.
Variant type: single nucleotide variant.
Coding change: c.383G>T on transcript NM_002432.3 (MANE Select); coding-DNA position 383, G replaced by T.
Protein change: p.Gly128Val; replaces glycine 128 with valine.
Molecular consequence: missense variant.
Genome position (GRCh38, 1-based): chr1:158,843,396, G>T. VCF-style: chr1-158843396-G-T. GRCh37 (hg19) VCF-style: chr1-158813186-G-T.
Other names: short protein forms G128V.
Identifiers: ClinVar variation 1735423 (VCV001735423.2), dbSNP rs2526079398, ClinGen allele CA343038816.

ClinVar aggregate classification (germline): Uncertain significance (1 of 4 stars; one submission).

Submission:

Ambry Genetics
Classification: Uncertain significance. Last evaluated: 2022-06-06. Review status: criteria provided, single submitter. Criteria: Ambry Variant Classification Scheme 2023. Collection method: clinical testing. Allele origin: germline.
Comment: The p.G128V variant (also known as c.383G>T), located in coding exon 2 of the MNDA gene, results from a G to T substitution at nucleotide position 383. The glycine at codon 128 is replaced by valine, an amino acid with dissimilar properties. This amino acid position is conserved. In addition, this alteration is predicted to be tolerated by in silico analysis. Since supporting evidence is limited at this time, the clinical significance of this alteration remains unclear.